The following is an entry in ClinVar:

ClinVar aggregate classification (germline): Likely pathogenic (1 of 4 stars; one submission).

Conditions:
Medium-chain acyl-coenzyme A dehydrogenase deficiency (ACADMD). Also called: MCAD Deficiency; CARNITINE DEFICIENCY SECONDARY TO MEDIUM-CHAIN ACYL-CoA DEHYDROGENASE DEFICIENCY; MCADH DEFICIENCY; ACADM DEFICIENCY; MCADD; Medium chain acyl-CoA dehydrogenase deficiency. Identifiers: Orphanet 42, MedGen C0220710, MONDO:0008721, OMIM 201450.

Submission:

Natera, Inc.
Classification: Likely pathogenic for Medium Chain Acyl-CoA Dehydrogenase Deficiency. Last evaluated: 2024-10-10. Review status: criteria provided, single submitter. Criteria: Natera Variant Classification Schema (03/2026). Collection method: clinical testing. Allele origin: germline.
Comment: The c.403del variant in ACADM is a frameshift variant predicted to shift the reading frame beginning at codon 135 and leads to a stop codon 15 codons downstream. This variant is expected to result in nonsense mediated decay, truncation, or a dysfunctional protein product. This variant is rare in the general population with a frequency below the threshold expected for the associated phenotype(s). Given the available evidence, this variant is classified as Likely Pathogenic.

NM_000016.6(ACADM):c.403del (p.Ile135fs)

Gene: ACADM (acyl-CoA dehydrogenase medium chain; plus strand). Cytogenetic location: 1p31.1.
Variant type: Deletion.
Coding change: c.403del on transcript NM_000016.6 (MANE Select); coding-DNA position 403, one base deleted (A; older notation c.403delA).
Protein change: p.Ile135fs; shifts the reading frame from isoleucine 135.
Molecular consequence: frameshift variant. On other transcripts: intron variant (1).
Genome position (GRCh38, 1-based): chr1:75,734,806, A deleted. VCF-style (leftmost placement, unchanged base first): chr1-75734805-TA-T. GRCh37 (hg19) VCF-style: chr1-76200490-TA-T.
Other names: c.403delA, p.Ile135Leufs (NM_000016.5); c.415del, p.Ile139fs (NM_001127328.3); c.295del, p.Ile99fs (NM_001286042.2); c.502del, p.Ile168fs (NM_001286043.2); c.-100+1884del (NM_001286044.2); short protein forms I135fs, I139fs, I168fs, I99fs.
Identifiers: ClinVar variation 4814355 (VCV004814355.1).